The following is an entry in ClinVar:

NM_203447.4(DOCK8):c.3234+2T>C

Gene: DOCK8 (dedicator of cytokinesis 8; plus strand). Cytogenetic location: 9p24.3.
Variant type: single nucleotide variant.
Coding change: c.3234+2T>C on transcript NM_203447.4 (MANE Select); the canonical splice donor site of the intron after coding-DNA position 3234, T replaced by C.
Molecular consequence: splice donor variant.
Genome position (GRCh38, 1-based): chr9:399,261, T>C. VCF-style: chr9-399261-T-C. GRCh37 (hg19) VCF-style: chr9-399261-T-C.
Other names: GRCh37:9:399261:T:C; c.3030+2T>C (NM_001193536.2); c.2934+2T>C (NM_001190458.2).
Identifiers: ClinVar variation 573664 (VCV000573664.18), dbSNP rs756871628, ClinGen allele CA4958566.
Genomic context (GRCh38, chr9:399,261, plus strand): 5'-TTCTCTCCCTCATGGATCGGGGCTTTGTGTTTAACCTCATCAGACATTATTGCAGCCAGG[T>C]GAGTGTCCCCCCCACCCCCACCCCCGAGCGAGCCACTTGGTTCCTTCTCATATAATGTGA-3'

ClinVar aggregate classification (germline): Conflicting classifications of pathogenicity. Review status: criteria provided, conflicting classifications (1 of 4 stars). 6 submissions from 6 submitters: Likely pathogenic (4); Uncertain significance (1); Benign (1). Last evaluated 2026-01-26.

Conditions:
Combined immunodeficiency due to DOCK8 deficiency (HIES2). Also called: DOCK8 Deficiency; HYPER-IgE RECURRENT INFECTION SYNDROME 2, AUTOSOMAL RECESSIVE; HIES autosomal recessive; HYPER-IgE SYNDROME 2, AUTOSOMAL RECESSIVE, WITH RECURRENT INFECTIONS; Hyper-IgE recurrent infection syndrome, autosomal recessive. Identifiers: Orphanet 217390, MedGen C4722305, MONDO:0009478, OMIM 243700.

Allele frequency attached by ClinVar (database versions not stated): gnomAD exomes below 0.00001 and 0.00003; ExAC 0.00005; TOPMed 0.00007; gnomAD 0.00010.
gnomAD v4.1: 30 of 1,605,034 alleles (0.0019%); highest among the groups gnomAD compares: Admixed American, 0.019%; 1 homozygote.

Submissions (6):

Labcorp Genetics (formerly Invitae), Labcorp
Classification: Likely pathogenic for Combined immunodeficiency due to DOCK8 deficiency. Last evaluated: 2026-01-26. Review status: criteria provided, single submitter. Criteria: Invitae Variant Classification Sherloc (09022015). Collection method: clinical testing. Allele origin: germline.
Comment: This sequence change affects a donor splice site in intron 26 of the DOCK8 gene. It is expected to disrupt RNA splicing. Variants that disrupt the donor or acceptor splice site typically lead to a loss of protein function (PMID: 16199547), and loss-of-function variants in DOCK8 are known to be pathogenic (PMID: 14722525, 19776401). This variant is present in population databases (rs756871628, gnomAD 0.02%). Disruption of this splice site has been observed in individual(s) with recurrent viral infections (PMID: 39098944). ClinVar contains an entry for this variant (Variation ID: 573664). Studies have shown that disruption of this splice site is associated with inconclusive levels of altered splicing (PMID: 39098944). In summary, the currently available evidence indicates that the variant is pathogenic, but additional data are needed to prove that conclusively. Therefore, this variant has been classified as Likely Pathogenic.

First Genomix Gene Laboratory, Genetic Diagnostics Department
Classification: Likely pathogenic for Combined immunodeficiency due to DOCK8 deficiency. Last evaluated: 2025-12-29. Review status: criteria provided, single submitter. Criteria: ACMG Guidelines, 2015. Collection method: clinical testing. Allele origin: germline. Inheritance: Autosomal recessive inheritance. Affected: no. Observed: 1 variant allele.

Blueprint Genetics
Classification: Uncertain significance. Last evaluated: 2024-11-01. Review status: criteria provided, single submitter. Criteria: ACMG Guidelines, 2015. Collection method: clinical testing. Allele origin: germline.

The Clinical Immunogenomics Research Consortium Australasia, Garvan Institute of Medical Research
Classification: Benign for Combined immunodeficiency due to DOCK8 deficiency. Last evaluated: 2024-09-10. Review status: criteria provided, single submitter. Criteria: ACMG Guidelines, 2015. Collection method: clinical testing. Allele origin: biparental. Inheritance: Autosomal recessive inheritance. Affected: no. Observed: 1 homozygote.
Comment: The variant was found in a homozygous state, in a case with an alternate molecular basis for disease (PMID: 39098944). The DOCK8 c.3234 + 2T > C variant has a MAF of 0.108 in Vanuatu, in Western Polynesia (PMID: 33854233). PBMCs homozygous for the DOCK8 c.3234 + 2T > C variant show similar intracellular expression of DOCK8 as PBMCs from healthy donors, as assessed by flow cytometry (PMID: 39098944). CD8+ T cells in an individual homozygous for DOCK8 c.3234 + 2T > C variant, were predominantly naïve, which is in stark contrast to DOCK8-deficiency (PMID: 39098944). Memory CD4+ T cells, homozygous for the DOCK8 c.3234 + 2T > C variant, do not show the aberrant cytokine production that is characteristic of DOCK8 deficiency (PMID: 39098944). Molecular, cellular, and functional studies establish that the c.3234 + 2T > C variant does no show evidence of DOCK8 deficiency (PMID: 39098944).

Fulgent Genetics
Classification: Likely pathogenic for Combined immunodeficiency due to DOCK8 deficiency. Last evaluated: 2024-03-25. Review status: criteria provided, single submitter. Criteria: ACMG Guidelines, 2015. Collection method: clinical testing. Allele origin: germline.

Revvity Omics, Revvity
Classification: Likely pathogenic for Combined immunodeficiency due to DOCK8 deficiency. Last evaluated: 2021-10-21. Review status: criteria provided, single submitter. Criteria: ACMG Guidelines, 2015. Collection method: clinical testing. Allele origin: germline.

Literature cited by the submitters: PubMed 16199547 (cited by Labcorp Genetics (formerly Invitae), Labcorp); PubMed 14722525 (cited by Labcorp Genetics (formerly Invitae), Labcorp); PubMed 19776401 (cited by Labcorp Genetics (formerly Invitae), Labcorp); PubMed 39098944 (cited by Labcorp Genetics (formerly Invitae), Labcorp and The Clinical Immunogenomics Research Consortium Australasia, Garvan Institute of Medical Research); PubMed 33854233 (cited by The Clinical Immunogenomics Research Consortium Australasia, Garvan Institute of Medical Research).